The following is an entry in ClinVar:

NM_006618.5(KDM5B):c.2528G>A (p.Arg843Gln)

Gene: KDM5B (lysine demethylase 5B; minus strand). Cytogenetic location: 1q32.1.
Variant type: single nucleotide variant.
Coding change: c.2528G>A on transcript NM_006618.5 (MANE Select); coding-DNA position 2528, G replaced by A.
Protein change: p.Arg843Gln; replaces arginine 843 with glutamine.
Molecular consequence: missense variant.
Genome position (GRCh38, 1-based): chr1:202,742,452, C>T on the plus strand (G>A on the coding strand, the complement: KDM5B is on the minus strand). VCF-style: chr1-202742452-C-T. GRCh37 (hg19) VCF-style: chr1-202711580-C-T.
Other names: c.2636G>A, p.Arg879Gln (NM_001314042.2); c.2393G>A, p.Arg798Gln (NM_001347591.2); c.2513G>A, p.Arg838Gln (NM_001399817.1); c.2528G>A (NM_006618.3); short protein forms R798Q, R838Q, R843Q, R879Q.
Identifiers: ClinVar variation 3905286 (VCV003905286.11).

ClinVar aggregate classification (germline): Uncertain significance. Review status: criteria provided, multiple submitters, no conflicts (2 of 4 stars). 2 submissions from 2 submitters: Uncertain significance (2). Last evaluated 2025-08-10.

Conditions:
Inborn genetic diseases. Identifiers: MedGen C0950123, MeSH D030342.

Submissions (2):

Ambry Genetics
Classification: Uncertain significance for Inborn genetic diseases. Last evaluated: 2025-08-10. Review status: criteria provided, single submitter. Criteria: Ambry Variant Classification Scheme 2023. Collection method: clinical testing. Allele origin: germline.

CeGaT Center for Human Genetics Tuebingen
Classification: Uncertain significance. Last evaluated: 2025-05-01. Review status: criteria provided, single submitter. Criteria: CeGaT Center For Human Genetics Tuebingen Variant Classification Criteria Version 2. Collection method: clinical testing. Allele origin: germline. Affected: yes. Observed: 1 variant allele.
Comment: KDM5B: PM2, BP4